The following is an entry in ClinVar:

ClinVar aggregate classification (germline): Likely pathogenic (1 of 4 stars; one submission).

Submission:

Labcorp Genetics (formerly Invitae), Labcorp
Classification: Likely pathogenic. Last evaluated: 2023-09-21. Review status: criteria provided, single submitter. Criteria: Invitae Variant Classification Sherloc (09022015). Collection method: clinical testing. Allele origin: germline.
Comment: In summary, the currently available evidence indicates that the variant is pathogenic, but additional data are needed to prove that conclusively. Therefore, this variant has been classified as Likely Pathogenic. Algorithms developed to predict the effect of sequence changes on RNA splicing suggest that this variant may disrupt the consensus splice site. This variant has not been reported in the literature in individuals affected with DUOX2-related conditions. This variant is not present in population databases (gnomAD no frequency). This sequence change affects an acceptor splice site in intron 3 of the DUOX2 gene. It is expected to disrupt RNA splicing. Variants that disrupt the donor or acceptor splice site typically lead to a loss of protein function (PMID: 16199547), and loss-of-function variants in DUOX2 are known to be pathogenic (PMID: 12110737, 18765513, 21565790, 24423310, 24735383).

Literature cited by the submitters: PubMed 16199547; PubMed 12110737; PubMed 18765513; PubMed 21565790; PubMed 24423310; PubMed 24735383.

NM_001363711.2(DUOX2):c.161-1G>T

Gene: DUOX2 (dual oxidase 2; minus strand). Cytogenetic location: 15q21.1.
Variant type: single nucleotide variant.
Coding change: c.161-1G>T on transcript NM_001363711.2 (MANE Select); the canonical splice acceptor site of the intron before coding-DNA position 161, G replaced by T.
Molecular consequence: splice acceptor variant.
Genome position (GRCh38, 1-based): chr15:45,112,719, C>A on the plus strand (G>T on the coding strand, the complement: DUOX2 is on the minus strand). VCF-style: chr15-45112719-C-A. GRCh37 (hg19) VCF-style: chr15-45404917-C-A.
Other names: c.161-1G>T (NM_014080.5).
Identifiers: ClinVar variation 2762321 (VCV002762321.3), dbSNP rs2504789080, ClinGen allele CA392279963.